The following is an entry in ClinVar:

ClinVar aggregate classification (germline): Conflicting classifications of pathogenicity. Review status: criteria provided, conflicting classifications (1 of 4 stars). 8 submissions from 8 submitters: Uncertain significance (1); Likely benign (7). Last evaluated 2025-12-28.

Conditions:
TTN-related disorder. Also called: TTN-related disorders; TTN-related condition; TTN-related disease.
Autosomal recessive limb-girdle muscular dystrophy type 2J (LGMDR10). Also called: Limb-girdle muscular dystrophy, type 2J; MUSCULAR DYSTROPHY, LIMB-GIRDLE, AUTOSOMAL RECESSIVE 10. Identifiers: Orphanet 140922, MedGen C1837342, MONDO:0012127, OMIM 608807.
Dilated cardiomyopathy 1G (CMD1G). Identifiers: Orphanet 154, MedGen C1858763, MONDO:0011400, OMIM 604145.
Cardiomyopathy (CMYO). Also called: Cardiomyopathies. Identifiers: Orphanet 167848, MedGen C0878544, MONDO:0004994, HP:0001638. Inheritance: Various modes of inheritance.

Allele frequency attached by ClinVar (database versions not stated): ExAC 0.00007; gnomAD exomes 0.00007 and 0.00008; TOPMed 0.00007; gnomAD 0.00009.
gnomAD v4.1: 135 of 1,613,078 alleles (0.0084%); highest among the groups gnomAD compares: Admixed American, 0.032%; no homozygotes.

Submissions (8):

PreventionGenetics, part of Exact Sciences
Classification: Likely benign for TTN-related condition. Last evaluated: 2025-12-28. Review status: criteria provided, single submitter. Criteria: ACMG Guidelines, 2015. Collection method: clinical testing. Allele origin: germline.
Comment: This variant is classified as likely benign based on ACMG/AMP sequence variant interpretation guidelines (Richards et al. 2015 PMID: 25741868, with internal and published modifications).

Labcorp Genetics (formerly Invitae), Labcorp
Classification: Likely benign for Dilated cardiomyopathy 1G; Autosomal recessive limb-girdle muscular dystrophy type 2J. Last evaluated: 2025-11-24. Review status: criteria provided, single submitter. Criteria: Invitae Variant Classification Sherloc (09022015). Collection method: clinical testing. Allele origin: germline.

Blueprint Genetics
Classification: Likely benign. Last evaluated: 2022-03-07. Review status: criteria provided, single submitter. Criteria: ACMG Guidelines, 2015. Collection method: clinical testing. Allele origin: germline.

Women's Health and Genetics/Laboratory Corporation of America, LabCorp
Classification: Likely benign. Last evaluated: 2022-01-31. Review status: criteria provided, single submitter. Criteria: LabCorp Variant Classification Summary - May 2015. Collection method: clinical testing. Allele origin: germline.

CHEO Genetics Diagnostic Laboratory, Children's Hospital of Eastern Ontario
Classification: Likely benign for Cardiomyopathy. Last evaluated: 2019-03-18. Review status: criteria provided, single submitter. Criteria: ACMG Guidelines, 2015. Collection method: clinical testing. Allele origin: germline.

GeneDx
Classification: Likely benign. Last evaluated: 2018-11-27. Review status: criteria provided, single submitter. Criteria: GeneDx Variant Classification Process June 2021. Collection method: clinical testing. Allele origin: germline. Affected: yes.

Athena Diagnostics
Classification: Likely benign. Last evaluated: 2018-01-05. Review status: criteria provided, single submitter. Criteria: Athena Diagnostics Criteria. Collection method: clinical testing. Allele origin: germline.

Eurofins Ntd Llc (ga)
Classification: Uncertain significance. Last evaluated: 2016-09-29. Review status: criteria provided, single submitter. Criteria: EGL Classification Definitions 2015. Collection method: clinical testing. Allele origin: germline. Observed: 1 variant allele, 1 heterozygote.

NM_001267550.2(TTN):c.21642C>T (p.Asn7214=)

Gene: TTN (titin; minus strand). Cytogenetic location: 2q31.2.
Variant type: single nucleotide variant.
Coding change: c.21642C>T on transcript NM_001267550.2 (MANE Select); coding-DNA position 21642, C replaced by T.
Protein change: p.Asn7214=; no amino-acid change (asparagine 7214 retained).
Molecular consequence: synonymous variant. On other transcripts: intron variant (3).
Genome position (GRCh38, 1-based): chr2:178,723,458, G>A on the plus strand (C>T on the coding strand, the complement: TTN is on the minus strand). VCF-style: chr2-178723458-G-A. GRCh37 (hg19) VCF-style: chr2-179588185-G-A.
Other names: c.21642C>T (LRG_391t1); c.20691C>T, p.Asn6897= (NM_001256850.1); c.17910C>T, p.Asn5970= (NM_133378.4); c.13282+14624C>T (NM_003319.4); c.13858+14624C>T (NM_133437.4); c.13657+14624C>T (NM_133432.3).
Identifiers: ClinVar variation 391708 (VCV000391708.23), dbSNP rs752620885, ClinGen allele CA2000993.